The following is an entry in ClinVar:

NM_001242896.3(DEPDC5):c.2413C>T (p.Gln805Ter)

Gene: DEPDC5 (DEP domain containing 5, GATOR1 subcomplex subunit; plus strand). Cytogenetic location: 22q12.3.
Variant type: single nucleotide variant.
Coding change: c.2413C>T on transcript NM_001242896.3 (MANE Select); coding-DNA position 2413, C replaced by T.
Protein change: p.Gln805Ter; replaces glutamine 805 with a stop codon.
Molecular consequence: nonsense. On other transcripts: non-coding transcript variant (5).
Genome position (GRCh38, 1-based): chr22:31,838,743, C>T. VCF-style: chr22-31838743-C-T. GRCh37 (hg19) VCF-style: chr22-32234729-C-T.
Other names: c.2386C>T, p.Gln796Ter (NM_001136029.4, NM_001369903.1, NM_014662.6); c.2179C>T, p.Gln727Ter (NM_001242897.2, NM_001363854.2, NM_001364319.2); c.2413C>T, p.Gln805Ter (NM_001363852.2, NM_001364318.2, NM_001364320.2); c.2329C>T, p.Gln777Ter (NM_001369901.1, NM_001369902.1); short protein forms Q777*, Q727*, Q796*, Q805*.
Identifiers: ClinVar variation 3839524 (VCV003839524.1).
Genomic context (GRCh38, chr22:31,838,743, plus strand): 5'-AGGAGGGACGAAGATGGTGTGCAGATGACAGCCCAGCAGGTATTTGAAGAGTTTATTTGC[C>T]AACGTCTCATGCAGGGCTACCAAATCATAGTGCAGCCCAAGACACAGAAACCCAATCCTG-3'

ClinVar aggregate classification (germline): Pathogenic (1 of 4 stars; one submission).

Conditions:
Inborn genetic diseases. Identifiers: MedGen C0950123, MeSH D030342.

Submission:

Ambry Genetics
Classification: Pathogenic for Inborn genetic diseases. Last evaluated: 2025-02-07. Review status: criteria provided, single submitter. Criteria: Ambry Variant Classification Scheme 2023. Collection method: clinical testing. Allele origin: germline.
Comment: The c.2413C>T (p.Q805*) alteration, located in exon 27 (coding exon 26) of the DEPDC5 gene, consists of a C to T substitution at nucleotide position 2413. This changes the amino acid from a glutamine (Q) to a stop codon at amino acid position 805. This alteration is expected to result in loss of function by premature protein truncation or nonsense-mediated mRNA decay. This variant was not reported in population-based cohorts in the Genome Aggregation Database (gnomAD). Based on the available evidence, this alteration is classified as pathogenic.